The following is an entry in ClinVar:

NM_018263.6(ASXL2):c.525G>A (p.Gln175=)

Gene: ASXL2 (ASXL transcriptional regulator 2; minus strand). Cytogenetic location: 2p23.3.
Variant type: single nucleotide variant.
Coding change: c.525G>A on transcript NM_018263.6 (MANE Select); coding-DNA position 525, G replaced by A.
Protein change: p.Gln175=; no amino-acid change (glutamine 175 retained).
Molecular consequence: synonymous variant. On other transcripts: 5 prime UTR variant (1).
Genome position (GRCh38, 1-based): chr2:25,768,848, C>T on the plus strand (G>A on the coding strand, the complement: ASXL2 is on the minus strand). VCF-style: chr2-25768848-C-T. GRCh37 (hg19) VCF-style: chr2-25991717-C-T.
Other names: c.351G>A, p.Gln117= (NM_001369346.1); c.-256G>A (NM_001369347.1).
Identifiers: ClinVar variation 3901002 (VCV003901002.1).
Genomic context (GRCh38, chr2:25,768,848, plus strand): 5'-TGAGAGATGCTGGTTGGAGGAGATGGATATGCTTGGCCTGCATTGCTGCTGCTGCTTCTT[C>T]TGCTGTTGCTGCTTTAGCGCCTATAAAGATAAAACAGACTATAAGAAACAAAACCAATCA-3'
Protein context (NP_060733.4, residues 165-185): ALKQALKQQQ[Gln175=]KKQQQQCRPS

ClinVar aggregate classification (germline): Uncertain significance (1 of 4 stars; one submission).

Conditions:
Shashi-Pena syndrome (SHAPNS). Identifiers: Orphanet 689408, MedGen C4310672, MONDO:0014963, OMIM 617190.

Submission:

Laboratorio de Genetica e Diagnostico Molecular, Hospital Israelita Albert Einstein
Classification: Uncertain significance for Shashi-Pena syndrome. Last evaluated: 2023-06-01. Review status: criteria provided, single submitter. Criteria: ACMG Guidelines, 2015. Collection method: clinical testing. Allele origin: germline. Affected: yes.
Comment: ACMG classification criteria: PM2 moderate